The following is an entry in ClinVar:

NM_000264.5(PTCH1):c.1187T>A (p.Leu396Gln)

Gene: PTCH1 (patched 1; minus strand). Cytogenetic location: 9q22.32.
Variant type: single nucleotide variant.
Coding change: c.1187T>A on transcript NM_000264.5 (MANE Select); coding-DNA position 1187, T replaced by A.
Protein change: p.Leu396Gln; replaces leucine 396 with glutamine.
Molecular consequence: missense variant. On other transcripts: non-coding transcript variant (1).
Genome position (GRCh38, 1-based): chr9:95,479,028, A>T on the plus strand (T>A on the coding strand, the complement: PTCH1 is on the minus strand). VCF-style: chr9-95479028-A-T. GRCh37 (hg19) VCF-style: chr9-98241310-A-T.
Other names: c.989T>A, p.Leu330Gln (NM_001083602.3); c.1184T>A, p.Leu395Gln (NM_001083603.3); c.734T>A, p.Leu245Gln (NM_001083604.3, NM_001083605.3, NM_001083606.3 and 1 more transcripts); c.1187T>A, p.Leu396Gln (NM_001354918.2); short protein forms L245Q, L330Q, L395Q, L396Q.
Identifiers: ClinVar variation 4842287 (VCV004842287.1).

ClinVar aggregate classification (germline): Uncertain significance (1 of 4 stars; one submission).

Conditions:
Hereditary cancer-predisposing syndrome. Also called: Neoplastic Syndromes, Hereditary; Tumor predisposition; Hereditary Cancer Syndrome; Hereditary neoplastic syndrome. Identifiers: Orphanet 140162, MedGen C0027672, MeSH D009386, MONDO:0015356.

Submission:

Ambry Genetics
Classification: Uncertain significance for Hereditary cancer-predisposing syndrome. Last evaluated: 2025-12-29. Review status: criteria provided, single submitter. Criteria: Ambry Variant Classification Scheme 2023. Collection method: clinical testing. Allele origin: germline.
Comment: The p.L396Q variant (also known as c.1187T>A), located in coding exon 8 of the PTCH1 gene, results from a T to A substitution at nucleotide position 1187. The leucine at codon 396 is replaced by glutamine, an amino acid with dissimilar properties. This amino acid position is conserved. In addition, this alteration is predicted to be deleterious by in silico analysis. Based on the available evidence, the clinical significance of this variant remains unclear.